The following is an entry in ClinVar:

ClinVar aggregate classification (germline): Pathogenic (1 of 4 stars; one submission).

Conditions:
Autosomal dominant nonsyndromic hearing loss 1. Also called: KONIGSMARK SYNDROME; DEAFNESS, AUTOSOMAL DOMINANT 1, WITH OR WITHOUT THROMBOCYTOPENIA. Identifiers: Orphanet 90635, MedGen C1852282, MONDO:0007424, OMIM 124900.
Progressive microcephaly-seizures-cortical blindness-developmental delay syndrome. Also called: Seizures, cortical blindness, and microcephaly syndrome. Identifiers: Orphanet 477814, MedGen C5567650, MONDO:0014714, OMIM 616632.

Submission:

Labcorp Genetics (formerly Invitae), Labcorp
Classification: Pathogenic for Progressive microcephaly-seizures-cortical blindness-developmental delay syndrome; Autosomal dominant nonsyndromic hearing loss 1. Last evaluated: 2022-08-09. Review status: criteria provided, single submitter. Criteria: Invitae Variant Classification Sherloc (09022015). Collection method: clinical testing. Allele origin: germline.
Comment: This variant is not present in population databases (gnomAD no frequency). For these reasons, this variant has been classified as Pathogenic. ClinVar contains an entry for this variant (Variation ID: 1356050). This variant has not been reported in the literature in individuals affected with DIAPH1-related conditions. This sequence change creates a premature translational stop signal (p.Gln1056*) in the DIAPH1 gene. It is expected to result in an absent or disrupted protein product. Loss-of-function variants in DIAPH1 are known to be pathogenic (PMID: 24781755, 26463574).

Literature cited by the submitters: PubMed 24781755; PubMed 26463574.

NM_005219.5(DIAPH1):c.3166C>T (p.Gln1056Ter)

Gene: DIAPH1 (diaphanous related formin 1; minus strand). Cytogenetic location: 5q31.3.
Variant type: single nucleotide variant.
Coding change: c.3166C>T on transcript NM_005219.5 (MANE Select); coding-DNA position 3166, C replaced by T.
Protein change: p.Gln1056Ter; replaces glutamine 1056 with a stop codon.
Molecular consequence: nonsense.
Genome position (GRCh38, 1-based): chr5:141,527,680, G>A on the plus strand (C>T on the coding strand, the complement: DIAPH1 is on the minus strand). VCF-style: chr5-141527680-G-A. GRCh37 (hg19) VCF-style: chr5-140907247-G-A.
Other names: c.3139C>T, p.Gln1047Ter (NM_001079812.3); c.3166C>T, p.Gln1056Ter (NM_001314007.2); short protein forms Q1056*, Q1047*.
Identifiers: ClinVar variation 1356050 (VCV001356050.6), dbSNP rs1331356644, ClinGen allele CA361581709.